The following is an entry in ClinVar:

ClinVar aggregate classification (germline): Uncertain significance (1 of 4 stars; one submission).

Conditions:
CHARGE syndrome (CHARGE). Also called: Hittner Hirsch Kreh syndrome; CHARGE ASSOCIATION--COLOBOMA, HEART ANOMALY, CHOANAL ATRESIA, RETARDATION, GENITAL AND EAR ANOMALIES; Coloboma, heart anomaly, choanal atresia, retardation, genital and ear anomalies; CHARGE association; Hall-Hittner syndrome. Identifiers: Orphanet 138, MedGen C0265354, MONDO:0008965.

Submission:

Labcorp Genetics (formerly Invitae), Labcorp
Classification: Uncertain significance for CHARGE syndrome. Last evaluated: 2025-09-10. Review status: criteria provided, single submitter. Criteria: Invitae Variant Classification Sherloc (09022015). Collection method: clinical testing. Allele origin: germline.
Comment: This sequence change replaces alanine, which is neutral and non-polar, with threonine, which is neutral and polar, at codon 1896 of the CHD7 protein (p.Ala1896Thr). This variant is not present in population databases (gnomAD no frequency). This variant has not been reported in the literature in individuals affected with CHD7-related conditions. Invitae Evidence Modeling of protein sequence and biophysical properties (such as structural, functional, and spatial information, amino acid conservation, physicochemical variation, residue mobility, and thermodynamic stability) indicates that this missense variant is not expected to disrupt CHD7 protein function with a negative predictive value of 80%. In summary, the available evidence is currently insufficient to determine the role of this variant in disease. Therefore, it has been classified as a Variant of Uncertain Significance.

NM_017780.4(CHD7):c.5686G>A (p.Ala1896Thr)

Gene: CHD7 (chromodomain helicase DNA binding protein 7; plus strand). Cytogenetic location: 8q12.2.
Variant type: single nucleotide variant.
Coding change: c.5686G>A on transcript NM_017780.4 (MANE Select); coding-DNA position 5686, G replaced by A.
Protein change: p.Ala1896Thr; replaces alanine 1896 with threonine.
Molecular consequence: missense variant. On other transcripts: intron variant (1).
Genome position (GRCh38, 1-based): chr8:60,852,039, G>A. VCF-style: chr8-60852039-G-A. GRCh37 (hg19) VCF-style: chr8-61764598-G-A.
Other names: c.1717-10190G>A (NM_001316690.1); short protein forms A1896T.
Identifiers: ClinVar variation 4744070 (VCV004744070.1).